The following is an entry in ClinVar:

ClinVar aggregate classification (germline): Pathogenic (1 of 4 stars; one submission).

Submission:

Labcorp Genetics (formerly Invitae), Labcorp
Classification: Pathogenic. Last evaluated: 2022-01-26. Review status: criteria provided, single submitter. Criteria: Invitae Variant Classification Sherloc (09022015). Collection method: clinical testing. Allele origin: germline.
Comment: For these reasons, this variant has been classified as Pathogenic. This variant has not been reported in the literature in individuals affected with ATP2B2-related conditions. This variant is not present in population databases (gnomAD no frequency). This sequence change creates a premature translational stop signal (p.Cys526*) in the ATP2B2 gene. It is expected to result in an absent or disrupted protein product. Loss-of-function variants in ATP2B2 are known to be pathogenic (PMID: 30535804).

Literature cited by the submitters: PubMed 30535804.

NM_001001331.4(ATP2B2):c.1713C>A (p.Cys571Ter)

Gene: ATP2B2 (ATPase plasma membrane Ca2+ transporting 2; minus strand). Cytogenetic location: 3p25.3.
Variant type: single nucleotide variant.
Coding change: c.1713C>A on transcript NM_001001331.4 (MANE Select); coding-DNA position 1713, C replaced by A.
Protein change: p.Cys571Ter; replaces cysteine 571 with a stop codon.
Molecular consequence: nonsense.
Genome position (GRCh38, 1-based): chr3:10,360,070, G>T on the plus strand (C>A on the coding strand, the complement: ATP2B2 is on the minus strand). VCF-style: chr3-10360070-G-T. GRCh37 (hg19) VCF-style: chr3-10401754-G-T.
Other names: c.1578C>A, p.Cys526Ter (NM_001330611.3, NM_001353564.1, NM_001363862.1 and 1 more transcripts); short protein forms C526*, C571*.
Identifiers: ClinVar variation 1400721 (VCV001400721.6), dbSNP rs199935477, ClinGen allele CA351781559.
Genomic context (GRCh38, chr3:10,360,070, plus strand): 5'-CATCTGGCTGCGCACGGGCTCGTAGTCCTGCTTCAGGTCCAGCACGAAGCCCAGCAGGCC[G>T]CACTCCGTCTTGTTGCCCACCTGCCGAGGCAGGGCGCCCTCCTTCTCTGGGGGCTGCAGA-3'